The following is an entry in ClinVar:

ClinVar aggregate classification (germline): Conflicting classifications of pathogenicity. Review status: criteria provided, conflicting classifications (1 of 4 stars). 6 submissions from 6 submitters: Uncertain significance (5); Likely benign (1). Last evaluated 2026-01-10.

Conditions:
Hereditary cancer-predisposing syndrome. Also called: Tumor predisposition; Neoplastic Syndromes, Hereditary; Hereditary Cancer Syndrome; Hereditary neoplastic syndrome. Identifiers: Orphanet 140162, MedGen C0027672, MeSH D009386, MONDO:0015356.
Multiple endocrine neoplasia, type 1 (MEN1). Also called: MEA I; MEN I; WERMER SYNDROME; Endocrine adenomatosis multiple; MEN 1. Identifiers: Orphanet 652, MedGen C0025267, MeSH D018761, MONDO:0007540, OMIM 131100.

Allele frequency attached by ClinVar (database versions not stated): ESP Exome Variant Server 0.00008; ExAC 0.00001; gnomAD exomes 0.00001; gnomAD 0.00002 and 0.00003; TOPMed 0.00002.

Submissions (6):

Labcorp Genetics (formerly Invitae), Labcorp
Classification: Likely benign for Multiple endocrine neoplasia, type 1. Last evaluated: 2026-01-10. Review status: criteria provided, single submitter. Criteria: Invitae Variant Classification Sherloc (09022015). Collection method: clinical testing. Allele origin: germline.

Ambry Genetics
Classification: Uncertain significance for Hereditary cancer-predisposing syndrome. Last evaluated: 2025-12-11. Review status: criteria provided, single submitter. Criteria: Ambry Variant Classification Scheme 2023. Collection method: clinical testing. Allele origin: germline.
Comment: The p.R330H variant (also known as c.989G>A), located in coding exon 6 of the MEN1 gene, results from a G to A substitution at nucleotide position 989. The arginine at codon 330 is replaced by histidine, an amino acid with highly similar properties. This amino acid position is highly conserved in available vertebrate species. In addition, this alteration is predicted to be deleterious by in silico analysis. Based on the available evidence, the clinical significance of this variant remains unclear.

Quest Diagnostics Nichols Institute San Juan Capistrano
Classification: Uncertain significance. Last evaluated: 2025-10-16. Review status: criteria provided, single submitter. Criteria: Quest Diagnostics criteria. Collection method: clinical testing. Allele origin: unknown.

Color Diagnostics, LLC DBA Color Health
Classification: Uncertain significance for Multiple endocrine neoplasia, type 1. Last evaluated: 2025-07-05. Review status: criteria provided, single submitter. Criteria: ACMG Guidelines, 2015. Collection method: clinical testing. Allele origin: germline.
Comment: This missense variant replaces arginine with histidine at codon 330 of the MEN1 protein. Computational prediction suggests that this variant may have deleterious impact on protein structure and function. To our knowledge, functional studies have not been reported for this variant. This variant has not been reported in individuals affected with MEN1-related disorders in the literature. This variant has been identified in 1/31366 chromosomes in the general population by the Genome Aggregation Database (gnomAD). The available evidence is insufficient to determine the role of this variant in disease conclusively. Therefore, this variant is classified as a Variant of Uncertain Significance.

GeneDx
Classification: Uncertain significance. Last evaluated: 2023-09-26. Review status: criteria provided, single submitter. Criteria: GeneDx Variant Classification Process June 2021. Collection method: clinical testing. Allele origin: germline. Affected: yes.
Comment: Not observed at significant frequency in large population cohorts (gnomAD); In silico analysis supports that this missense variant has a deleterious effect on protein structure/function; Has not been previously published as pathogenic or benign to our knowledge; This variant is associated with the following publications: (PMID: 12874027, 9989505)

Baylor Genetics
Classification: Uncertain significance for Multiple Endocrine Neoplasia Type 1. Last evaluated: 2023-08-08. Review status: criteria provided, single submitter. Criteria: ACMG Guidelines, 2015. Collection method: clinical testing. Allele origin: unknown.

NM_001370259.2(MEN1):c.989G>A (p.Arg330His)

Gene: MEN1 (menin 1; minus strand). Cytogenetic location: 11q13.1.
Variant type: single nucleotide variant.
Coding change: c.989G>A on transcript NM_001370259.2 (MANE Select); coding-DNA position 989, G replaced by A.
Protein change: p.Arg330His; replaces arginine 330 with histidine.
Molecular consequence: missense variant.
Genome position (GRCh38, 1-based): chr11:64,806,292, C>T on the plus strand (G>A on the coding strand, the complement: MEN1 is on the minus strand). VCF-style: chr11-64806292-C-T. GRCh37 (hg19) VCF-style: chr11-64573764-C-T.
Other names: c.1004G>A, p.Arg335His (NM_000244.4, NM_130800.3, NM_130801.3 and 3 more transcripts); c.989G>A, p.Arg330His (NM_001370251.2, NM_001370260.2, NM_001370261.2 and 1 more transcripts); c.884G>A, p.Arg295His (NM_001370262.2, NM_001370263.2); short protein forms R330H, R335H, R295H.
Identifiers: ClinVar variation 485723 (VCV000485723.17), dbSNP rs373135175, ClinGen allele CA061906.